The following is an entry in ClinVar:

ClinVar aggregate classification (germline): Uncertain significance. Review status: criteria provided, multiple submitters, no conflicts (2 of 4 stars). 3 submissions from 3 submitters: Uncertain significance (3). Last evaluated 2026-04-03.

Conditions:
Cardiovascular phenotype. Identifiers: MedGen CN230736.
ANKRD1-related dilated cardiomyopathy. Identifiers: MedGen CN119551.
ANKRD1-related disorder. Also called: ANKRD1-related condition.

Allele frequency attached by ClinVar (database versions not stated): gnomAD exomes below 0.00001 and 0.00001; ExAC 0.00002; gnomAD 0.00002; TOPMed 0.00002.
gnomAD v4.1: 6 of 1,613,796 alleles (0.00037%); highest among the groups gnomAD compares: African/African-American, 0.0027%; no homozygotes.

Submissions (3):

PreventionGenetics, part of Exact Sciences
Classification: Uncertain significance for ANKRD1-related condition. Last evaluated: 2026-04-03. Review status: criteria provided, single submitter. Criteria: ACMG Guidelines, 2015. Collection method: clinical testing. Allele origin: germline.
Comment: The ANKRD1 c.947T>C variant is predicted to result in the amino acid substitution p.Ile316Thr. To our knowledge, this variant has not been reported in the literature. This variant is reported in 0.0062% of alleles in individuals of African descent in gnomAD. At this time, the clinical significance of this variant is uncertain due to the absence of conclusive functional and genetic evidence.

Ambry Genetics
Classification: Uncertain significance for Cardiovascular phenotype. Last evaluated: 2025-11-16. Review status: criteria provided, single submitter. Criteria: Ambry Variant Classification Scheme 2023. Collection method: clinical testing. Allele origin: germline.
Comment: The p.I316T variant (also known as c.947T>C), located in coding exon 9 of the ANKRD1 gene, results from a T to C substitution at nucleotide position 947. The isoleucine at codon 316 is replaced by threonine, an amino acid with similar properties. This amino acid position is not well conserved in available vertebrate species. In addition, this alteration is predicted to be tolerated by in silico analysis. The evidence for this gene-disease relationship is limited; therefore, the clinical significance of this alteration is unclear.

Labcorp Genetics (formerly Invitae), Labcorp
Classification: Uncertain significance for ANKRD1-related dilated cardiomyopathy. Last evaluated: 2025-07-14. Review status: criteria provided, single submitter. Criteria: Invitae Variant Classification Sherloc (09022015). Collection method: clinical testing. Allele origin: germline.
Comment: This sequence change replaces isoleucine, which is neutral and non-polar, with threonine, which is neutral and polar, at codon 316 of the ANKRD1 protein (p.Ile316Thr). This variant is present in population databases (rs774666943, gnomAD 0.007%). This variant has not been reported in the literature in individuals affected with ANKRD1-related conditions. ClinVar contains an entry for this variant (Variation ID: 963760). An algorithm developed to predict the effect of missense changes on protein structure and function (PolyPhen-2) suggests that this variant is likely to be tolerated. In summary, the available evidence is currently insufficient to determine the role of this variant in disease. Therefore, it has been classified as a Variant of Uncertain Significance.

NM_014391.3(ANKRD1):c.947T>C (p.Ile316Thr)

Gene: ANKRD1 (ankyrin repeat domain 1; minus strand). Cytogenetic location: 10q23.31.
Variant type: single nucleotide variant.
Coding change: c.947T>C on transcript NM_014391.3 (MANE Select); coding-DNA position 947, T replaced by C.
Protein change: p.Ile316Thr; replaces isoleucine 316 with threonine.
Molecular consequence: missense variant.
Genome position (GRCh38, 1-based): chr10:90,912,879, A>G on the plus strand (T>C on the coding strand, the complement: ANKRD1 is on the minus strand). VCF-style: chr10-90912879-A-G. GRCh37 (hg19) VCF-style: chr10-92672636-A-G.
Other names: short protein forms I316T.
Identifiers: ClinVar variation 963760 (VCV000963760.12), dbSNP rs774666943, ClinGen allele CA5598562.
Genomic context (GRCh38, chr10:90,912,879, plus strand): 5'-TTCAAAATGCCAGTGAACATTTACTGATTAAGAGTCTGTCGTTTGCCTCAGAATGTAGCT[A>G]TGCGAGAGGTCTTGTAGGAGTTCTCTCTGAGGCTGTCGAATATTGCTTTGGTTCCATTCT-3'
Protein context (NP_055206.2, residues 306-319): LRENSYKTSR[Ile316Thr]ATF